The following is an entry in ClinVar:

ClinVar aggregate classification (germline): Uncertain significance (1 of 4 stars; one submission).

Allele frequency attached by ClinVar (database versions not stated): gnomAD exomes 0.00001.
gnomAD v4.1: 3 of 1,613,978 alleles (0.00019%); highest among the groups gnomAD compares: Admixed American, 0.005%; no homozygotes.

Submission:

Labcorp Genetics (formerly Invitae), Labcorp
Classification: Uncertain significance. Last evaluated: 2022-06-28. Review status: criteria provided, single submitter. Criteria: Invitae Variant Classification Sherloc (09022015). Collection method: clinical testing. Allele origin: germline.
Comment: This sequence change replaces leucine, which is neutral and non-polar, with proline, which is neutral and non-polar, at codon 598 of the OTOA protein (p.Leu598Pro). This variant is present in population databases (no rsID available, gnomAD 0.009%). This missense change has been observed in individual(s) with deafness (Invitae). Algorithms developed to predict the effect of missense changes on protein structure and function (SIFT, PolyPhen-2, Align-GVGD) all suggest that this variant is likely to be disruptive. In summary, the available evidence is currently insufficient to determine the role of this variant in disease. Therefore, it has been classified as a Variant of Uncertain Significance.

NM_144672.4(OTOA):c.1793T>C (p.Leu598Pro)

Gene: OTOA (otoancorin). Cytogenetic location: 16p12.2.
Variant type: single nucleotide variant.
Coding change: c.1793T>C on transcript NM_144672.4 (MANE Select); coding-DNA position 1793, T replaced by C.
Protein change: p.Leu598Pro; replaces leucine 598 with proline.
Molecular consequence: missense variant.
Genome position (GRCh38, 1-based): chr16:21,719,491, T>C. VCF-style: chr16-21719491-T-C. GRCh37 (hg19) VCF-style: chr16-21730812-T-C.
Other names: c.1556T>C, p.Leu519Pro (NM_001161683.2); c.821T>C, p.Leu274Pro (NM_170664.3); short protein forms L519P, L274P, L598P.
Identifiers: ClinVar variation 1355190 (VCV001355190.6), dbSNP rs1347585592, ClinGen allele CA395064801.